The following is an entry in ClinVar:

ClinVar aggregate classification (germline): Likely benign. Review status: criteria provided, multiple submitters, no conflicts (2 of 4 stars). 7 submissions from 7 submitters: Likely benign (5). 2 of the submissions do not count toward it. Last evaluated 2026-01-28.

Conditions:
Cardiovascular phenotype. Identifiers: MedGen CN230736.
Cardiac arrhythmia. Also called: Cardiac rhythm disease; Arrhythmia. Identifiers: MedGen C0003811, MONDO:0007263, HP:0011675.
Long QT syndrome (LQTS). Identifiers: MedGen C0023976, MeSH D008133, MONDO:0002442. Disease mechanism: loss of function. Inheritance: Various modes of inheritance.

Allele frequency attached by ClinVar (database versions not stated): TOPMed 0.00002; gnomAD exomes 0.00004; ExAC 0.00009; gnomAD 0.00001.
gnomAD v4.1: 37 of 1,558,214 alleles (0.0024%); highest among the groups gnomAD compares: Non-Finnish European, 0.003%; no homozygotes.

Submissions (7):

Labcorp Genetics (formerly Invitae), Labcorp
Classification: Likely benign for Long QT syndrome. Last evaluated: 2026-01-28. Review status: criteria provided, single submitter. Criteria: Invitae Variant Classification Sherloc (09022015). Collection method: clinical testing. Allele origin: germline.

All of Us Research Program, National Institutes of Health
Classification: Likely benign for Long QT syndrome. Last evaluated: 2023-07-10. Review status: criteria provided, single submitter. Criteria: ACMG Guidelines, 2015. Collection method: clinical testing. Allele origin: germline. Inheritance: Autosomal dominant inheritance. Observed: 2 variant alleles, 2 heterozygotes.
Comment: This study involves interpretation of variants in research participants for the purpose of population health screening. Participant phenotype was not available at the time of variant classification. Additional details can be found in publication PMID: 35346344, PMCID: PMC8962531

Ambry Genetics
Classification: Likely benign for Cardiovascular phenotype. Last evaluated: 2023-01-22. Review status: criteria provided, single submitter. Criteria: Ambry Variant Classification Scheme 2023. Collection method: clinical testing. Allele origin: germline.

Color Diagnostics, LLC DBA Color Health
Classification: Likely benign for Arrhythmia. Last evaluated: 2018-11-25. Review status: criteria provided, single submitter. Criteria: ACMG Guidelines, 2015. Collection method: clinical testing. Allele origin: germline.

GeneDx
Classification: Likely benign. Last evaluated: 2016-11-17. Review status: criteria provided, single submitter. Criteria: GeneDx Variant Classification (06012015). Collection method: clinical testing. Allele origin: germline. Affected: yes.
Comment: This variant is considered likely benign or benign based on one or more of the following criteria: it is a conservative change, it occurs at a poorly conserved position in the protein, it is predicted to be benign by multiple in silico algorithms, and/or has population frequency not consistent with disease.

Clinical Genetics, Academic Medical Center
Classification: Benign. Review status: no assertion criteria provided. Collection method: clinical testing. Allele origin: germline. Affected: yes. Study: VKGL Data-share Consensus. Not counted in ClinVar's aggregate classification.

Joint Genome Diagnostic Labs from Nijmegen and Maastricht, Radboudumc and MUMC+
Classification: Likely benign. Review status: no assertion criteria provided. Collection method: clinical testing. Allele origin: germline. Affected: yes. Study: VKGL Data-share Consensus. Not counted in ClinVar's aggregate classification.

NM_000238.4(KCNH2):c.276C>T (p.Arg92=)

Gene: KCNH2 (potassium voltage-gated channel subfamily H member 2; minus strand). Cytogenetic location: 7q36.1.
Variant type: single nucleotide variant.
Coding change: c.276C>T on transcript NM_000238.4 (MANE Select); coding-DNA position 276, C replaced by T.
Protein change: p.Arg92=; no amino-acid change (arginine 92 retained).
Molecular consequence: synonymous variant. On other transcripts: non-coding transcript variant (1).
Genome position (GRCh38, 1-based): chr7:150,974,742, G>A on the plus strand (C>T on the coding strand, the complement: KCNH2 is on the minus strand). VCF-style: chr7-150974742-G-A. GRCh37 (hg19) VCF-style: chr7-150671830-G-A.
Other names: c.99C>T, p.Arg33= (NM_001406755.1); c.276C>T, p.Arg92= (NM_172056.3).
Identifiers: ClinVar variation 390864 (VCV000390864.22), dbSNP rs753629014, ClinGen allele CA034744.
Genomic context (GRCh38, chr7:150,974,742, plus strand): 5'-GTCGTGGCCCCGCCCCGGCCCGCTCCTACCATCTTTCCGGTAGAAGGCGATTTCCACTTT[G>A]CGCTCCTCGGCGCCCAGCAGTGCCTGCGCGATCTGCGCGGCAGCGCGGCGCTGCGTGCGC-3'
Protein context (NP_000229.1, residues 82-102): IAQALLGAEE[Arg92=]KVEIAFYRKD